The following is an entry in ClinVar:

ClinVar aggregate classification (germline): Conflicting classifications of pathogenicity. Review status: criteria provided, conflicting classifications (1 of 4 stars). 5 submissions from 5 submitters: Pathogenic (1); Likely pathogenic (2); Uncertain significance (2). Last evaluated 2025-09-29.

Conditions:
GABRG2-related disorder. Also called: GABRG2-related condition.
EPILEPSY, CHILDHOOD ABSENCE, SUSCEPTIBILITY TO, 2 (ECA2). Identifiers: Orphanet 64280, MedGen C1843244, OMIM 607681.
Febrile seizures, familial, 8 (FEB8). Also called: CONVULSIONS, FAMILIAL FEBRILE, 8. Identifiers: Orphanet 36387, MedGen C1969810, MONDO:0011891, OMIM 607681.

Allele frequency attached by ClinVar (database versions not stated): TOPMed below 0.00001; gnomAD 0.00001; gnomAD exomes 0.00001 and below 0.00001.
gnomAD v4.1: 5 of 1,614,026 alleles (0.00031%); highest among the groups gnomAD compares: Non-Finnish European, 0.00042%; no homozygotes.

Submissions (5):

Labcorp Genetics (formerly Invitae), Labcorp
Classification: Likely pathogenic for Febrile seizures, familial, 8; EPILEPSY, CHILDHOOD ABSENCE, SUSCEPTIBILITY TO, 2. Last evaluated: 2025-09-29. Review status: criteria provided, single submitter. Criteria: Invitae Variant Classification Sherloc (09022015). Collection method: clinical testing. Allele origin: germline.
Comment: This sequence change replaces alanine, which is neutral and non-polar, with threonine, which is neutral and polar, at codon 334 of the GABRG2 protein (p.Ala334Thr). This variant is present in population databases (rs398123523, gnomAD 0.0009%). This missense change has been observed in individuals with GABRG2-related conditions (PMID: 36403551; internal data). ClinVar contains an entry for this variant (Variation ID: 93433). Invitae Evidence Modeling of protein sequence and biophysical properties (such as structural, functional, and spatial information, amino acid conservation, physicochemical variation, residue mobility, and thermodynamic stability) indicates that this missense variant is expected to disrupt GABRG2 protein function with a positive predictive value of 95%. In summary, the currently available evidence indicates that the variant is pathogenic, but additional data are needed to prove that conclusively. Therefore, this variant has been classified as Likely Pathogenic.

GeneDx
Classification: Pathogenic. Last evaluated: 2025-06-08. Review status: criteria provided, single submitter. Criteria: GeneDx Variant Classification Process June 2021. Collection method: clinical testing. Allele origin: germline. Affected: yes.
Comment: Not observed at significant frequency in large population cohorts (gnomAD); In silico analysis supports that this missense variant has a deleterious effect on protein structure/function; This variant is associated with the following publications: (PMID: 30190672, 36403551)

Greenwood Genetic Center Diagnostic Laboratories, Greenwood Genetic Center
Classification: Uncertain significance. Last evaluated: 2023-09-13. Review status: criteria provided, single submitter. Criteria: ACMG Guidelines, 2015. Collection method: clinical testing. Allele origin: germline. Affected: yes.
Comment: PM2

Blueprint Genetics
Classification: Likely pathogenic for GABRG2-related disorders. Last evaluated: 2022-10-24. Review status: criteria provided, single submitter. Criteria: ACMG Guidelines, 2015. Collection method: clinical testing. Allele origin: germline. Affected: yes. Observed: 1 variant allele.

Eurofins Ntd Llc (ga)
Classification: Uncertain significance. Last evaluated: 2013-08-09. Review status: criteria provided, single submitter. Criteria: EGL Classification Definitions 2015. Collection method: clinical testing. Allele origin: germline. Observed: 2 variant alleles, 2 heterozygotes.

Literature cited by the submitters: PubMed 36403551 (cited by Labcorp Genetics (formerly Invitae), Labcorp).

NM_198904.4(GABRG2):c.1000G>A (p.Ala334Thr)

Gene: GABRG2 (gamma-aminobutyric acid type A receptor subunit gamma2; plus strand). Cytogenetic location: 5q34.
Variant type: single nucleotide variant.
Coding change: c.1000G>A on transcript NM_198904.4 (MANE Select); coding-DNA position 1000, G replaced by A.
Protein change: p.Ala334Thr; replaces alanine 334 with threonine.
Molecular consequence: missense variant. On other transcripts: intron variant (1).
Genome position (GRCh38, 1-based): chr5:162,149,185, G>A. VCF-style: chr5-162149185-G-A. GRCh37 (hg19) VCF-style: chr5-161576191-G-A.
Other names: c.1000G>A, p.Ala334Thr (NM_000816.3); c.991G>A, p.Ala331Thr (NM_001375339.1); c.997G>A, p.Ala333Thr (NM_001375341.1, NM_001375342.1); c.1120G>A, p.Ala374Thr (NM_001375343.1, NM_198903.2); c.1039G>A, p.Ala347Thr (NM_001375344.1); c.934G>A, p.Ala312Thr (NM_001375345.1, NM_001375346.1); c.913G>A, p.Ala305Thr (NM_001375347.1); c.580G>A, p.Ala194Thr (NM_001375348.1, NM_001375350.1); and 2 more; short protein forms A334T, A374T, A194T, A239T, A305T, A312T, A331T, A333T.
Identifiers: ClinVar variation 93433 (VCV000093433.28), dbSNP rs398123523, ClinGen allele CA221363.